The following is an entry in ClinVar:

NM_018897.3(DNAH7):c.2619C>G (p.Val873=)

Gene: DNAH7 (dynein axonemal heavy chain 7; minus strand). Cytogenetic location: 2q32.3.
Variant type: single nucleotide variant.
Coding change: c.2619C>G on transcript NM_018897.3 (MANE Select); coding-DNA position 2619, C replaced by G.
Protein change: p.Val873=; no amino-acid change (valine 873 retained).
Molecular consequence: synonymous variant.
Genome position (GRCh38, 1-based): chr2:195,960,532, G>C on the plus strand (C>G on the coding strand, the complement: DNAH7 is on the minus strand). VCF-style: chr2-195960532-G-C. GRCh37 (hg19) VCF-style: chr2-196825256-G-C.
Identifiers: ClinVar variation 402754 (VCV000402754.7), dbSNP rs115124743, ClinGen allele CA2036318.

ClinVar aggregate classification (germline): Benign. Review status: criteria provided, multiple submitters, no conflicts (2 of 4 stars). 3 submissions from 3 submitters: Benign (2). 1 of the submissions does not count toward it. Last evaluated 2016-03-29.

Conditions:
DNAH7-related disorder. Also called: DNAH7-related condition.

Allele frequency attached by ClinVar (database versions not stated): 1000 Genomes Project 30x 0.01858; 1000 Genomes Project 0.01877; TOPMed 0.02802; ExAC 0.02842; gnomAD exomes 0.02913 and 0.03447; gnomAD 0.02996 and 0.03062; ESP Exome Variant Server 0.03140.
gnomAD v4.1: 54,970 of 1,614,102 alleles (3.4%); highest among the groups gnomAD compares: Middle Eastern, 6.7%; 1,005 homozygotes.

Submissions (3):

Laboratory for Molecular Medicine, Mass General Brigham Personalized Medicine
Classification: Benign. Last evaluated: 2016-03-29. Review status: criteria provided, single submitter. Criteria: LMM Criteria. Collection method: clinical testing. Allele origin: germline.
Comment: Variant identified in a genome or exome case(s) and assessed due to predicted null impact of the variant or pathogenic assertions in the literature or databases. Disclaimer: This variant has not undergone full assessment. The following are preliminary notes: MAF

Breakthrough Genomics
Classification: Benign. Review status: criteria provided, single submitter. Criteria: ACMG Guidelines, 2015. Collection method: not provided. Allele origin: germline. Inheritance: Unknown mechanism. Affected: yes.

PreventionGenetics, part of Exact Sciences
Classification: Benign for DNAH7-related condition. Last evaluated: 2019-10-17. Review status: no assertion criteria provided. Collection method: clinical testing. Allele origin: germline. Not counted in ClinVar's aggregate classification.
Comment: This variant is classified as benign based on ACMG/AMP sequence variant interpretation guidelines (Richards et al. 2015 PMID: 25741868, with internal and published modifications).